The following is an entry in ClinVar:

ClinVar aggregate classification (germline): Uncertain significance (1 of 4 stars; one submission).

Conditions:
Hereditary cancer-predisposing syndrome. Also called: Tumor predisposition; Neoplastic Syndromes, Hereditary; Hereditary neoplastic syndrome; Hereditary Cancer Syndrome. Identifiers: Orphanet 140162, MedGen C0027672, MeSH D009386, MONDO:0015356.

Submission:

Ambry Genetics
Classification: Uncertain significance for Hereditary cancer-predisposing syndrome. Last evaluated: 2025-08-27. Review status: criteria provided, single submitter. Criteria: Ambry Variant Classification Scheme 2023. Collection method: clinical testing. Allele origin: germline.
Comment: The p.T408N variant (also known as c.1223C>A), located in coding exon 13 of the MUTYH gene, results from a C to A substitution at nucleotide position 1223. The threonine at codon 408 is replaced by asparagine, an amino acid with similar properties. This amino acid position is conserved. In addition, this alteration is predicted to be tolerated by in silico analysis. Based on the available evidence, the clinical significance of this variant remains unclear.

NM_001048174.2(MUTYH):c.1139C>A (p.Thr380Asn)

Gene: MUTYH (mutY DNA glycosylase; minus strand). Cytogenetic location: 1p34.1.
Variant type: single nucleotide variant.
Coding change: c.1139C>A on transcript NM_001048174.2 (MANE Select); coding-DNA position 1139, C replaced by A.
Protein change: p.Thr380Asn; replaces threonine 380 with asparagine.
Molecular consequence: missense variant. On other transcripts: non-coding transcript variant (7).
Genome position (GRCh38, 1-based): chr1:45,331,520, G>T on the plus strand (C>A on the coding strand, the complement: MUTYH is on the minus strand). VCF-style: chr1-45331520-G-T. GRCh37 (hg19) VCF-style: chr1-45797192-G-T.
Other names: c.1139C>A, p.Thr380Asn (NM_001048171.2, NM_001048173.2, NM_001293195.2 and 6 more transcripts); c.1142C>A, p.Thr381Asn (NM_001048172.2, NM_001407071.1, NM_001407078.1 and 1 more transcripts); c.1223C>A, p.Thr408Asn (NM_001128425.2); c.1184C>A, p.Thr395Asn (NM_001293190.2); c.1172C>A, p.Thr391Asn (NM_001293191.2, NM_001407069.1, NM_001407077.1); c.863C>A, p.Thr288Asn (NM_001293192.2, NM_001293196.2, NM_001407091.1); c.794C>A, p.Thr265Asn (NM_001350650.2, NM_001350651.2, NM_001407082.1); c.1055C>A, p.Thr352Asn (NM_001407075.1); and 5 more; short protein forms T380N, T381N, T387N, T391N, T394N, T395N, T405N, T288N.
Identifiers: ClinVar variation 4113092 (VCV004113092.1).
Genomic context (GRCh38, chr1:45,331,520, plus strand): 5'-GCCCAACGCTGTAGTTCCTGCAGCAGGGCCTTGCGCTGAAGCTGCTCTGAGGGCTCCCAG[G>T]TCACGGACGGGAACTCCCACAGTCCTGCCAGCAGACCTGAGAGGGAGGGCAGCCAGGCAG-3'
Protein context (NP_001041639.1, residues 370-390): LAGLWEFPSV[Thr380Asn]WEPSEQLQRK